The following is an entry in ClinVar:

NM_001378454.1(ALMS1):c.7883A>G (p.Asn2628Ser)

Gene: ALMS1 (ALMS1 centrosome and basal body associated protein; plus strand). Cytogenetic location: 2p13.1.
Variant type: single nucleotide variant.
Coding change: c.7883A>G on transcript NM_001378454.1 (MANE Select); coding-DNA position 7883, A replaced by G.
Protein change: p.Asn2628Ser; replaces asparagine 2628 with serine.
Molecular consequence: missense variant.
Genome position (GRCh38, 1-based): chr2:73,489,842, A>G. VCF-style: chr2-73489842-A-G. GRCh37 (hg19) VCF-style: chr2-73716969-A-G.
Other names: c.7886A>G, p.Asn2629Ser (NM_015120.4); short protein forms N2628S, N2629S.
Identifiers: ClinVar variation 990698 (VCV000990698.5), dbSNP rs776280658, ClinGen allele CA1714364.

ClinVar aggregate classification (germline): Uncertain significance. Review status: criteria provided, single submitter (1 of 4 stars). 2 submissions from 2 submitters: Uncertain significance (1). 1 of the submissions does not count toward it. Last evaluated 2022-04-08.

Conditions:
Alstrom syndrome (ALMS). Identifiers: Orphanet 64, MedGen C0268425, MONDO:0008763, OMIM 203800.

Allele frequency attached by ClinVar (database versions not stated): ExAC 0.00001; gnomAD exomes 0.00001; TOPMed 0.00005.
gnomAD v4.1: 13 of 1,614,052 alleles (0.00081%); highest among the groups gnomAD compares: African/African-American, 0.0027%; no homozygotes.

Submissions (2):

Labcorp Genetics (formerly Invitae), Labcorp
Classification: Uncertain significance for Alstrom syndrome. Last evaluated: 2022-04-08. Review status: criteria provided, single submitter. Criteria: Invitae Variant Classification Sherloc (09022015). Collection method: clinical testing. Allele origin: germline.
Comment: This sequence change replaces asparagine, which is neutral and polar, with serine, which is neutral and polar, at codon 2629 of the ALMS1 protein (p.Asn2629Ser). This variant is present in population databases (rs776280658, gnomAD 0.007%). This variant has not been reported in the literature in individuals affected with ALMS1-related conditions. ClinVar contains an entry for this variant (Variation ID: 990698). Experimental studies and prediction algorithms are not available or were not evaluated, and the functional significance of this variant is currently unknown. In summary, the available evidence is currently insufficient to determine the role of this variant in disease. Therefore, it has been classified as a Variant of Uncertain Significance.

Natera, Inc.
Classification: Uncertain significance for Alstrom syndrome. Last evaluated: 2020-08-17. Review status: no assertion criteria provided. Collection method: clinical testing. Allele origin: germline. Not counted in ClinVar's aggregate classification.